The following is an entry in ClinVar:

NM_005592.4(MUSK):c.2346G>T (p.Glu782Asp)

Gene: MUSK (muscle associated receptor tyrosine kinase; plus strand). Cytogenetic location: 9q31.3.
Variant type: single nucleotide variant.
Coding change: c.2346G>T on transcript NM_005592.4 (MANE Select); coding-DNA position 2346, G replaced by T.
Protein change: p.Glu782Asp; replaces glutamic acid 782 with aspartic acid.
Molecular consequence: missense variant.
Genome position (GRCh38, 1-based): chr9:110,800,724, G>T. VCF-style: chr9-110800724-G-T. GRCh37 (hg19) VCF-style: chr9-113563004-G-T.
Other names: c.2088G>T, p.Glu696Asp (NM_001166280.2); c.2058G>T, p.Glu686Asp (NM_001166281.2); c.1086G>T, p.Glu362Asp (NM_001369398.1); short protein forms E686D, E696D, E782D, E362D.
Identifiers: ClinVar variation 940686 (VCV000940686.8), dbSNP rs34614566, ClinGen allele CA5184614.

ClinVar aggregate classification (germline): Uncertain significance. Review status: criteria provided, multiple submitters, no conflicts (2 of 4 stars). 2 submissions from 2 submitters: Uncertain significance (2). Last evaluated 2024-05-13.

Conditions:
Inborn genetic diseases. Identifiers: MedGen C0950123, MeSH D030342.
Congenital myasthenic syndrome 9. Also called: Myasthenic syndrome, congenital, 9, associated with acetylcholine receptor deficiency. Identifiers: Orphanet 590, MedGen C4225368, MONDO:0014587, OMIM 616325.
Fetal akinesia deformation sequence 1 (FADS1). Also called: Fetal akinesia sequence; Pena-Shokeir syndrome type I. Identifiers: Orphanet 994, MedGen C1276035, MONDO:0100101, OMIM 208150, HP:0001989.

Allele frequency attached by ClinVar (database versions not stated): gnomAD exomes below 0.00001 and 0.00001; ExAC 0.00001; gnomAD 0.00001; TOPMed 0.00001.

Submissions (2):

Ambry Genetics
Classification: Uncertain significance for Inborn genetic diseases. Last evaluated: 2024-05-13. Review status: criteria provided, single submitter. Criteria: Ambry Variant Classification Scheme 2023. Collection method: clinical testing. Allele origin: germline.

Labcorp Genetics (formerly Invitae), Labcorp
Classification: Uncertain significance for Congenital myasthenic syndrome 9; Fetal akinesia deformation sequence 1. Last evaluated: 2022-09-03. Review status: criteria provided, single submitter. Criteria: Invitae Variant Classification Sherloc (09022015). Collection method: clinical testing. Allele origin: germline.
Comment: This sequence change replaces glutamic acid, which is acidic and polar, with aspartic acid, which is acidic and polar, at codon 782 of the MUSK protein (p.Glu782Asp). This variant is present in population databases (rs34614566, gnomAD 0.02%). This variant has not been reported in the literature in individuals affected with MUSK-related conditions. ClinVar contains an entry for this variant (Variation ID: 940686). Advanced modeling of protein sequence and biophysical properties (such as structural, functional, and spatial information, amino acid conservation, physicochemical variation, residue mobility, and thermodynamic stability) performed at Invitae indicates that this missense variant is not expected to disrupt MUSK protein function. In summary, the available evidence is currently insufficient to determine the role of this variant in disease. Therefore, it has been classified as a Variant of Uncertain Significance.